The following is an entry in ClinVar:

NM_004415.4(DSP):c.2866A>T (p.Asn956Tyr)

Gene: DSP (desmoplakin; plus strand). Cytogenetic location: 6p24.3.
Variant type: single nucleotide variant.
Coding change: c.2866A>T on transcript NM_004415.4 (MANE Select); coding-DNA position 2866, A replaced by T.
Protein change: p.Asn956Tyr; replaces asparagine 956 with tyrosine.
Molecular consequence: missense variant.
Genome position (GRCh38, 1-based): chr6:7,577,031, A>T. VCF-style: chr6-7577031-A-T. GRCh37 (hg19) VCF-style: chr6-7577264-A-T.
Other names: c.2866A>T, p.Asn956Tyr (NM_001008844.3, NM_001319034.2); short protein forms N956Y.
Identifiers: ClinVar variation 44887 (VCV000044887.24), dbSNP rs397516928, ClinGen allele CA005665.
Genomic context (GRCh38, chr6:7,577,031, plus strand): 5'-GAAATATCTGGCAAACGAGACAAATCAGAGGAAGTACAAAAAATTGCTGAACTTTGCGCC[A>T]ATTCAATTAAGGTATGTTGGTTTCATAAAGAATGTTGGTATTTCACCAAGATTATTATTA-3'
Protein context (NP_004406.2, residues 946-966): EVQKIAELCA[Asn956Tyr]SIKDYELQLA

ClinVar aggregate classification (germline): Conflicting classifications of pathogenicity. Review status: criteria provided, conflicting classifications (1 of 4 stars). 6 submissions from 6 submitters: Uncertain significance (2); Benign (1); Likely benign (3). Last evaluated 2025-12-01.

Conditions:
Cardiovascular phenotype. Identifiers: MedGen CN230736.
Arrhythmogenic cardiomyopathy with wooly hair and keratoderma. Also called: Dilated cardiomyopathy with woolly hair and keratoderma; Arrhythmogenic cardiomyopathy with woolly hair and keratoderma; PALMOPLANTAR KERATODERMA WITH LEFT VENTRICULAR CARDIOMYOPATHY AND WOOLLY HAIR; Carvajal syndrome. Identifiers: Orphanet 65282, MedGen C1854063, MONDO:0011581, OMIM 605676.
Arrhythmogenic right ventricular dysplasia 8 (ARVD8). Also called: Arrhythmogenic Right Ventricular Dysplasia/Cardiomyopathy 8; ARRHYTHMOGENIC RIGHT VENTRICULAR DYSPLASIA, FAMILIAL, 8; ARRHYTHMOGENIC RIGHT VENTRICULAR CARDIOMYOPATHY 8. Identifiers: MedGen C1843896, MONDO:0011831, OMIM 607450.
Cardiomyopathy (CMYO). Also called: Cardiomyopathies. Identifiers: Orphanet 167848, MedGen C0878544, MONDO:0004994, HP:0001638. Inheritance: Various modes of inheritance.

Allele frequency attached by ClinVar (database versions not stated): TOPMed 0.00005; gnomAD 0.00006 and 0.00004; gnomAD exomes 0.00010 and 0.00001; ExAC 0.00011; 1000 Genomes Project 30x 0.00078; 1000 Genomes Project 0.00100.
gnomAD v4.1: 43 of 1,611,160 alleles (0.0027%); highest among the groups gnomAD compares: East Asian, 0.056%; no homozygotes.

Submissions (6):

Labcorp Genetics (formerly Invitae), Labcorp
Classification: Likely benign for Arrhythmogenic cardiomyopathy with wooly hair and keratoderma; Arrhythmogenic right ventricular dysplasia 8. Last evaluated: 2025-12-01. Review status: criteria provided, single submitter. Criteria: Invitae Variant Classification Sherloc (09022015). Collection method: clinical testing. Allele origin: germline.

Mayo Clinic Laboratories, Mayo Clinic
Classification: Likely benign. Last evaluated: 2025-04-01. Review status: criteria provided, single submitter. Criteria: ACMG Guidelines, 2015. Collection method: clinical testing. Allele origin: germline. Observed: 2 variant alleles.
Comment: BS1, BP4_moderate

Ambry Genetics
Classification: Benign for Cardiovascular phenotype. Last evaluated: 2024-05-24. Review status: criteria provided, single submitter. Criteria: Ambry Variant Classification Scheme 2023. Collection method: clinical testing. Allele origin: germline.

GeneDx
Classification: Uncertain significance. Last evaluated: 2023-10-24. Review status: criteria provided, single submitter. Criteria: GeneDx Variant Classification Process June 2021. Collection method: clinical testing. Allele origin: germline. Affected: yes.
Comment: In silico analysis supports that this missense variant has a deleterious effect on protein structure/function; This variant is associated with the following publications: (PMID: 35628349, 22216297, 21636032, 24503780)

Color Diagnostics, LLC DBA Color Health
Classification: Likely benign for Cardiomyopathy. Last evaluated: 2019-12-30. Review status: criteria provided, single submitter. Criteria: ACMG Guidelines, 2015. Collection method: clinical testing. Allele origin: germline.

Laboratory for Molecular Medicine, Mass General Brigham Personalized Medicine
Classification: Uncertain significance. Last evaluated: 2012-01-20. Review status: criteria provided, single submitter. Criteria: LMM Criteria. Collection method: clinical testing. Allele origin: germline. Observed: 1 variant allele.
Comment: Variant classified as Uncertain Significance - Favor Benign. The Asn956Tyr varia nt (DSP) has been identifed in 2/1054 reportedly healthy control chromosomes (Ka pplinger 2011, Wei_2011). Computational analyses (biochemical amino acid propert ies, conservation, AlignGVGD, PolyPhen2, and SIFT) suggest that this variant may not impact the protein, though this information is not predictive enough to rul e out pathogenicity. Although this data suggests that the Asn956Tyr variant may be benign, additional information is needed to fully assess its clinical signifi cance.

Literature cited by the submitters: PubMed 21636032 (cited by 3 submitters); PubMed 22216297 (cited by Mayo Clinic Laboratories, Mayo Clinic and Ambry Genetics); PubMed 24503780 (cited by Mayo Clinic Laboratories, Mayo Clinic and Ambry Genetics); PubMed 27413182 (cited by Mayo Clinic Laboratories, Mayo Clinic).